The following is an entry in ClinVar:

NM_000284.4(PDHA1):c.335A>G (p.Asp112Gly)

Gene: PDHA1 (pyruvate dehydrogenase E1 subunit alpha 1; plus strand). Cytogenetic location: Xp22.12.
Variant type: single nucleotide variant.
Coding change: c.335A>G on transcript NM_000284.4 (MANE Select); coding-DNA position 335, A replaced by G.
Protein change: p.Asp112Gly; replaces aspartic acid 112 with glycine.
Molecular consequence: missense variant.
Genome position (GRCh38, 1-based): chrX:19,351,324, A>G. VCF-style: chrX-19351324-A-G. GRCh37 (hg19) VCF-style: chrX-19369442-A-G.
Other names: c.449A>G, p.Asp150Gly (NM_001173454.2); c.356A>G, p.Asp119Gly (NM_001173455.2); c.335A>G, p.Asp112Gly (NM_001173456.2); short protein forms D112G, D119G, D150G.
Identifiers: ClinVar variation 4070310 (VCV004070310.1).

ClinVar aggregate classification (germline): Likely pathogenic (0 of 4 stars; one submission).

Conditions:
Pyruvate dehydrogenase E1-alpha deficiency (PDHAD). Also called: ATAXIA, INTERMITTENT, WITH PYRUVATE DEHYDROGENASE DEFICIENCY; ATAXIA WITH LACTIC ACIDOSIS I; ATAXIA, INTERMITTENT, WITH ABNORMAL PYRUVATE METABOLISM; Ataxia, intermittent, with pyruvate dehydrogenase, or decarboxylase, deficiency. Identifiers: Orphanet 79243, MedGen C1839413, MONDO:0010717, OMIM 312170.

Submission:

PDHA1 Study Group, University Children’s Hospital, Paracelsus Medical University
Classification: Likely pathogenic for Pyruvate dehydrogenase E1-alpha deficiency. Last evaluated: 2024-10-15. Review status: no assertion criteria provided. Collection method: research. Allele origin: germline. Affected: yes. Observed: 1 variant allele.
Comment: The NM_000284.3:c.335A>G (p.Asp112Gly) substitution is a missense variant in PDHA1 gene. Last literature search: July 12, 2024. This variant is absent or extremely rare in population-based cohorts in the Genome Aggregation Database (gnomAD). Individuals harboring this variant presented with clinical features compatible with PDHA1-related PDHc deficiency. In summary, this variant meets criteria to be classified as likely pathogenic (LP) for PDHA1-related PDHc deficiency based on the ACMG/AMP criteria applied: PM2, PM7, PP2, PP3, PP4 (last assessment October 15, 2024).

Literature cited by the submitters: DOI 10.1093/brain/awaf430.